The following is an entry in ClinVar:

NM_005431.2(XRCC2):c.783A>C (p.Lys261Asn)

Gene: XRCC2 (X-ray repair cross complementing 2; minus strand). Cytogenetic location: 7q36.1.
Variant type: single nucleotide variant.
Coding change: c.783A>C on transcript NM_005431.2 (MANE Select); coding-DNA position 783, A replaced by C.
Protein change: p.Lys261Asn; replaces lysine 261 with asparagine.
Molecular consequence: missense variant.
Genome position (GRCh38, 1-based): chr7:152,648,702, T>G on the plus strand (A>C on the coding strand, the complement: XRCC2 is on the minus strand). VCF-style: chr7-152648702-T-G. GRCh37 (hg19) VCF-style: chr7-152345787-T-G.
Other names: short protein forms K261N.
Identifiers: ClinVar variation 3224698 (VCV003224698.1), dbSNP rs1423193607, ClinGen allele CA370197952.

ClinVar aggregate classification (germline): Uncertain significance (1 of 4 stars; one submission).

Conditions:
Hereditary cancer-predisposing syndrome. Also called: Tumor predisposition; Hereditary neoplastic syndrome; Hereditary Cancer Syndrome; Neoplastic Syndromes, Hereditary. Identifiers: Orphanet 140162, MedGen C0027672, MeSH D009386, MONDO:0015356.

Allele frequency attached by ClinVar (database versions not stated): gnomAD 0.00001; TOPMed 0.00001.
gnomAD v4.1: 2 of 1,609,836 alleles (0.00012%); highest among the groups gnomAD compares: African/African-American, 0.0027%; no homozygotes.

Submission:

Ambry Genetics
Classification: Uncertain significance for Hereditary cancer-predisposing syndrome. Last evaluated: 2024-03-06. Review status: criteria provided, single submitter. Criteria: Ambry Variant Classification Scheme 2023. Collection method: clinical testing. Allele origin: germline.
Comment: The p.K261N variant (also known as c.783A>C), located in coding exon 3 of the XRCC2 gene, results from an A to C substitution at nucleotide position 783. The lysine at codon 261 is replaced by asparagine, an amino acid with similar properties. This amino acid position is conserved. In addition, this alteration is predicted to be tolerated by in silico analysis. Based on the available evidence, the clinical significance of this alteration remains unclear.